The following is an entry in ClinVar:

ClinVar aggregate classification (germline): Uncertain significance. Review status: criteria provided, multiple submitters, no conflicts (2 of 4 stars). 2 submissions from 2 submitters: Uncertain significance (2). Last evaluated 2023-03-16.

Conditions:
Cardiovascular phenotype. Identifiers: MedGen CN230736.
DK1-congenital disorder of glycosylation. Also called: CONGENITAL DISORDER OF GLYCOSYLATION, TYPE Im; DOLK-congenital disorder of glycosylation; Carbohydrate deficient glycoprotein syndrome type 1m; CDG Im; DK1 DEFICIENCY; DOLICHOL KINASE DEFICIENCY. Identifiers: Orphanet 91131, MedGen C1835849, MONDO:0012556, OMIM 610768.

Allele frequency attached by ClinVar (database versions not stated): ExAC 0.00001; gnomAD 0.00001 and 0.00003; gnomAD exomes 0.00001; TOPMed 0.00003.

Submissions (2):

Ambry Genetics
Classification: Uncertain significance for Cardiovascular phenotype. Last evaluated: 2023-03-16. Review status: criteria provided, single submitter. Criteria: Ambry Variant Classification Scheme 2023. Collection method: clinical testing. Allele origin: germline.
Comment: The p.L144F variant (also known as c.432G>C), located in coding exon 1 of the DOLK gene, results from a G to C substitution at nucleotide position 432. The leucine at codon 144 is replaced by phenylalanine, an amino acid with highly similar properties. This amino acid position is poorly conserved in available vertebrate species. In addition, this alteration is predicted to be tolerated by in silico analysis. Since supporting evidence is limited at this time, the clinical significance of this alteration remains unclear.

Labcorp Genetics (formerly Invitae), Labcorp
Classification: Uncertain significance for DK1-congenital disorder of glycosylation. Last evaluated: 2021-08-28. Review status: criteria provided, single submitter. Criteria: Invitae Variant Classification Sherloc (09022015). Collection method: clinical testing. Allele origin: germline.
Comment: This sequence change replaces leucine with phenylalanine at codon 144 of the DOLK protein (p.Leu144Phe). The leucine residue is weakly conserved and there is a small physicochemical difference between leucine and phenylalanine. This variant is present in population databases (rs780422418, ExAC 0.002%). This variant has not been reported in the literature in individuals affected with DOLK-related conditions. Algorithms developed to predict the effect of missense changes on protein structure and function (SIFT, PolyPhen-2, Align-GVGD) all suggest that this variant is likely to be tolerated. In summary, the available evidence is currently insufficient to determine the role of this variant in disease. Therefore, it has been classified as a Variant of Uncertain Significance.

NM_014908.4(DOLK):c.432G>C (p.Leu144Phe)

Gene: DOLK (dolichol kinase; minus strand). Cytogenetic location: 9q34.11.
Variant type: single nucleotide variant.
Coding change: c.432G>C on transcript NM_014908.4 (MANE Select); coding-DNA position 432, G replaced by C.
Protein change: p.Leu144Phe; replaces leucine 144 with phenylalanine.
Molecular consequence: missense variant.
Genome position (GRCh38, 1-based): chr9:128,946,872, C>G on the plus strand (G>C on the coding strand, the complement: DOLK is on the minus strand). VCF-style: chr9-128946872-C-G. GRCh37 (hg19) VCF-style: chr9-131709151-C-G.
Other names: short protein forms L144F.
Identifiers: ClinVar variation 1004095 (VCV001004095.9), dbSNP rs780422418, ClinGen allele CA5271748.
Genomic context (GRCh38, chr9:128,946,872, plus strand): 5'-CACCTCCCCCACGCTCAACGAGTGCTTCATGATATAAATGATAACACCTCCAGCCAAGCC[C>G]AAGATGACACAAGTGTTGGTTGGCACTGGGCGAGTGATGCCGAGCGCCAACACTGATGAG-3'
Protein context (NP_055723.1, residues 134-154): RPVPTNTCVI[Leu144Phe]GLAGGVIIYI